The following is an entry in ClinVar:

NM_000834.5(GRIN2B):c.2237G>A (p.Cys746Tyr)

Gene: GRIN2B (glutamate ionotropic receptor NMDA type subunit 2B; minus strand). Cytogenetic location: 12p13.1.
Variant type: single nucleotide variant.
Coding change: c.2237G>A on transcript NM_000834.5 (MANE Select); coding-DNA position 2237, G replaced by A.
Protein change: p.Cys746Tyr; replaces cysteine 746 with tyrosine.
Molecular consequence: missense variant.
Genome position (GRCh38, 1-based): chr12:13,569,952, C>T on the plus strand (G>A on the coding strand, the complement: GRIN2B is on the minus strand). VCF-style: chr12-13569952-C-T. GRCh37 (hg19) VCF-style: chr12-13722886-C-T.
Other names: short protein forms C746Y.
Identifiers: ClinVar variation 984852 (VCV000984852.3), dbSNP rs1948686092, ClinGen allele CA383998221.

ClinVar aggregate classification (germline): Likely pathogenic (1 of 4 stars; one submission).

Conditions:
Complex neurodevelopmental disorder. Identifiers: Orphanet 528084, MedGen C5568766, MONDO:0100038.
GRIN2B-related disorder. Also called: GRIN2B-related condition.

Submission:

Blueprint Genetics
Classification: Likely pathogenic for GRIN2B-related disorders. Last evaluated: 2023-01-03. Review status: criteria provided, single submitter. Criteria: ACMG Guidelines, 2015. Collection method: clinical testing. Allele origin: de novo. Affected: yes. Observed: 1 variant allele.